The following is an entry in ClinVar:

NM_001370298.3(FGD4):c.1363_1364del (p.Glu455fs)

Gene: FGD4 (FYVE, RhoGEF and PH domain containing 4; plus strand). Cytogenetic location: 12p11.21.
Variant type: Deletion.
Coding change: c.1363_1364del on transcript NM_001370298.3 (MANE Select); coding-DNA positions 1363 to 1364, 2 bases deleted (GA; older notation c.1363_1364delGA).
Protein change: p.Glu455fs; shifts the reading frame from glutamic acid 455.
Molecular consequence: frameshift variant. On other transcripts: 5 prime UTR variant (1).
Genome position (GRCh38, 1-based): chr12:32,602,276-32,602,277, GA deleted; deleting any 2 consecutive bases within chr12:32,602,275-32,602,277 gives the same sequence; the c. name uses the placement nearest the transcript's 3' end. VCF-style (leftmost placement, unchanged base first): chr12-32602274-CAG-C. GRCh37 (hg19) VCF-style: chr12-32755208-CAG-C.
Other names: c.1207_1208delGA, p.Glu403Thrfs (NM_001304481.2); c.208_209del, p.Glu70fs (NM_001304483.2); c.-100_-99del (NM_001304484.2); c.673_674del, p.Glu225fs (NM_001330373.2, NM_001330374.2, NM_001384130.1); c.400_401del, p.Glu134fs (NM_001370297.1); c.1363_1364del, p.Glu455fs (NM_001384126.1); c.952_953del, p.Glu318fs (NM_001384127.1, NM_001384128.1, NM_001385118.1 and 1 more transcripts); short protein forms E225fs, E134fs, E318fs, E70fs, E403fs, E455fs.
Identifiers: ClinVar variation 447322 (VCV000447322.3), dbSNP rs771606350, ClinGen allele CA6506760.

ClinVar aggregate classification (germline): Pathogenic/Likely pathogenic. Review status: criteria provided, multiple submitters, no conflicts (2 of 4 stars). 2 submissions from 2 submitters: Pathogenic (1); Likely pathogenic (1). Last evaluated 2022-08-04.

Conditions:
Charcot-Marie-Tooth disease type 4H (CMT4H). Also called: CHARCOT-MARIE-TOOTH DISEASE, DEMYELINATING, TYPE 4H; CHARCOT-MARIE-TOOTH DISEASE, AUTOSOMAL RECESSIVE, TYPE 4H; CHARCOT-MARIE-TOOTH DISEASE, DEMYELINATING, AUTOSOMAL RECESSIVE, TYPE 4H; CHARCOT-MARIE-TOOTH NEUROPATHY, TYPE 4H. Identifiers: Orphanet 99954, MedGen C1836336, MONDO:0012250, OMIM 609311.

Submissions (2):

MGZ Medical Genetics Center
Classification: Likely pathogenic for Charcot-Marie-Tooth disease type 4H. Last evaluated: 2022-08-04. Review status: criteria provided, single submitter. Criteria: ACMG Guidelines, 2015. Collection method: clinical testing. Allele origin: germline. Affected: yes. Observed: 1 variant allele.
Comment: ACMG criteria applied: PVS1, PM2_SUP

Athena Diagnostics
Classification: Pathogenic. Last evaluated: 2016-09-26. Review status: criteria provided, single submitter. Criteria: Athena Diagnostics Criteria. Collection method: clinical testing. Allele origin: germline.